The following is an entry in ClinVar:

ClinVar aggregate classification (germline): Uncertain significance (1 of 4 stars; one submission).

Conditions:
Early-infantile DEE. Also called: Ohtahara syndrome; Early infantile epileptic encephalopathy with suppression bursts; Early infantile epileptic encephalopathy. Identifiers: Orphanet 1934, MedGen C0393706, MONDO:0800491.

Allele frequency attached by ClinVar (database versions not stated): gnomAD exomes below 0.00001; ExAC 0.00001.
gnomAD v4.1: 3 of 1,604,598 alleles (0.00019%); highest among the groups gnomAD compares: African/African-American, 0.0013%; no homozygotes.

Submission:

Labcorp Genetics (formerly Invitae), Labcorp
Classification: Uncertain significance for Early-infantile DEE. Last evaluated: 2024-07-19. Review status: criteria provided, single submitter. Criteria: Invitae Variant Classification Sherloc (09022015). Collection method: clinical testing. Allele origin: germline.
Comment: This sequence change replaces arginine, which is basic and polar, with glutamine, which is neutral and polar, at codon 448 of the KCNQ2 protein (p.Arg448Gln). The frequency data for this variant in the population databases is considered unreliable, as metrics indicate poor data quality at this position in the gnomAD database. This variant has not been reported in the literature in individuals affected with KCNQ2-related conditions. ClinVar contains an entry for this variant (Variation ID: 1430155). An algorithm developed to predict the effect of missense changes on protein structure and function (PolyPhen-2) suggests that this variant is likely to be disruptive. In summary, the available evidence is currently insufficient to determine the role of this variant in disease. Therefore, it has been classified as a Variant of Uncertain Significance.

NM_172107.4(KCNQ2):c.1343G>A (p.Arg448Gln)

Gene: KCNQ2 (potassium voltage-gated channel subfamily Q member 2; minus strand). Cytogenetic location: 20q13.33.
Variant type: single nucleotide variant.
Coding change: c.1343G>A on transcript NM_172107.4 (MANE Select); coding-DNA position 1343, G replaced by A.
Protein change: p.Arg448Gln; replaces arginine 448 with glutamine.
Molecular consequence: missense variant.
Genome position (GRCh38, 1-based): chr20:63,415,085, C>T on the plus strand (G>A on the coding strand, the complement: KCNQ2 is on the minus strand). VCF-style: chr20-63415085-C-T. GRCh37 (hg19) VCF-style: chr20-62046438-C-T.
Other names: c.1289G>A, p.Arg430Gln (NM_001382235.1, NM_172106.3); c.1259G>A, p.Arg420Gln (NM_004518.6); c.1253G>A, p.Arg418Gln (NM_172108.5); short protein forms R430Q, R420Q, R418Q, R448Q.
Identifiers: ClinVar variation 1430155 (VCV001430155.7), dbSNP rs763968845, ClinGen allele CA9958470.